The following is an entry in ClinVar:

ClinVar aggregate classification (germline): Uncertain significance (1 of 4 stars; one submission).

Conditions:
Familial hemophagocytic lymphohistiocytosis 3 (FHL3). Also called: UNC13D-Related Familial Hemophagocytic Lymphohistiocytosis (UNC13D-fHLH). Identifiers: Orphanet 540, MedGen C1837174, MONDO:0012146, OMIM 608898.

Submission:

Labcorp Genetics (formerly Invitae), Labcorp
Classification: Uncertain significance for Familial hemophagocytic lymphohistiocytosis 3. Last evaluated: 2024-02-17. Review status: criteria provided, single submitter. Criteria: Invitae Variant Classification Sherloc (09022015). Collection method: clinical testing. Allele origin: germline.
Comment: This sequence change replaces arginine, which is basic and polar, with leucine, which is neutral and non-polar, at codon 359 of the UNC13D protein (p.Arg359Leu). This variant is present in population databases (rs146611729, gnomAD 0.006%). This variant has not been reported in the literature in individuals affected with UNC13D-related conditions. ClinVar contains an entry for this variant (Variation ID: 1391921). Advanced modeling of protein sequence and biophysical properties (such as structural, functional, and spatial information, amino acid conservation, physicochemical variation, residue mobility, and thermodynamic stability) has been performed at Invitae for this missense variant, however the output from this modeling did not meet the statistical confidence thresholds required to predict the impact of this variant on UNC13D protein function. In summary, the available evidence is currently insufficient to determine the role of this variant in disease. Therefore, it has been classified as a Variant of Uncertain Significance.

NM_199242.3(UNC13D):c.1076G>T (p.Arg359Leu)

Gene: UNC13D (unc-13 homolog D; minus strand). Cytogenetic location: 17q25.1.
Variant type: single nucleotide variant.
Coding change: c.1076G>T on transcript NM_199242.3 (MANE Select); coding-DNA position 1076, G replaced by T.
Protein change: p.Arg359Leu; replaces arginine 359 with leucine.
Molecular consequence: missense variant.
Genome position (GRCh38, 1-based): chr17:75,836,898, C>A on the plus strand (G>T on the coding strand, the complement: UNC13D is on the minus strand). VCF-style: chr17-75836898-C-A. GRCh37 (hg19) VCF-style: chr17-73832979-C-A.
Other names: short protein forms R359L.
Identifiers: ClinVar variation 1391921 (VCV001391921.5), dbSNP rs146611729, ClinGen allele CA8773128.